The following is an entry in ClinVar:

ClinVar aggregate classification (germline): Uncertain significance (1 of 4 stars; one submission).

Conditions:
Congenital myasthenic syndrome 8. Also called: MYASTHENIC SYNDROME, CONGENITAL, DUE TO AGRIN DEFICIENCY; Myasthenic syndrome, congenital, 8, with pre- and postsynaptic defects. Identifiers: Orphanet 590, MedGen C3808739, MONDO:0014052, OMIM 615120.

Allele frequency attached by ClinVar (database versions not stated): gnomAD exomes below 0.00001 and 0.00001; gnomAD 0.00002; TOPMed 0.00003; ExAC 0.00010.
gnomAD v4.1: 9 of 1,512,126 alleles (0.0006%); highest among the groups gnomAD compares: African/African-American, 0.0043%; no homozygotes.

Submission:

Labcorp Genetics (formerly Invitae), Labcorp
Classification: Uncertain significance for Congenital myasthenic syndrome 8. Last evaluated: 2018-07-30. Review status: criteria provided, single submitter. Criteria: Invitae Variant Classification Sherloc (09022015). Collection method: clinical testing. Allele origin: germline.
Comment: While this variant is present in population databases (rs747952589), the frequency information is unreliable, as metrics indicate poor data quality at this position in the ExAC database. In summary, the available evidence is currently insufficient to determine the role of this variant in disease. Therefore, it has been classified as a Variant of Uncertain Significance. Algorithms developed to predict the effect of missense changes on protein structure and function output the following: SIFT: "Tolerated"; PolyPhen-2: "Possibly Damaging"; Align-GVGD: "Class C0". The valine amino acid residue is found in multiple mammalian species, suggesting that this missense change does not adversely affect protein function. These predictions have not been confirmed by published functional studies and their clinical significance is uncertain. This variant has not been reported in the literature in individuals with AGRN-related disease. This sequence change replaces alanine with valine at codon 279 of the AGRN protein (p.Ala279Val). The alanine residue is weakly conserved and there is a small physicochemical difference between alanine and valine.

NM_198576.4(AGRN):c.836C>T (p.Ala279Val)

Gene: AGRN (agrin; plus strand). Cytogenetic location: 1p36.33.
Variant type: single nucleotide variant.
Coding change: c.836C>T on transcript NM_198576.4 (MANE Select); coding-DNA position 836, C replaced by T.
Protein change: p.Ala279Val; replaces alanine 279 with valine.
Molecular consequence: missense variant.
Genome position (GRCh38, 1-based): chr1:1,041,281, C>T. VCF-style: chr1-1041281-C-T. GRCh37 (hg19) VCF-style: chr1-976661-C-T.
Other names: c.836C>T, p.Ala279Val (NM_001305275.2); c.521C>T, p.Ala174Val (NM_001364727.2); short protein forms A174V, A279V.
Identifiers: ClinVar variation 643698 (VCV000643698.8), dbSNP rs747952589, ClinGen allele CA507926.